The following is an entry in ClinVar:

NM_001875.5(CPS1):c.2568+1G>A

Gene: CPS1 (carbamoyl-phosphate synthase 1; plus strand). Cytogenetic location: 2q34.
Variant type: single nucleotide variant.
Coding change: c.2568+1G>A on transcript NM_001875.5 (MANE Select); the canonical splice donor site of the intron after coding-DNA position 2568, G replaced by A.
Molecular consequence: splice donor variant.
Genome position (GRCh38, 1-based): chr2:210,612,294, G>A. VCF-style: chr2-210612294-G-A. GRCh37 (hg19) VCF-style: chr2-211477018-G-A.
Other names: c.2568+1G>A (NM_001369257.1, NM_001122633.3); c.2601+1G>A (NM_001369256.1).
Identifiers: ClinVar variation 2680876 (VCV002680876.4), dbSNP rs2469187129, ClinGen allele CA350440612.

ClinVar aggregate classification (germline): Likely pathogenic. Review status: criteria provided, multiple submitters, no conflicts (2 of 4 stars). 2 submissions from 2 submitters: Likely pathogenic (2). Last evaluated 2023-12-23.

Conditions:
Pulmonary hypertension, neonatal, susceptibility to (PHN). Identifiers: MedGen C3714958, MONDO:0014151, OMIM 615371.
Congenital hyperammonemia, type I. Also called: Carbamoyl-phosphate synthase I deficiency; CPS I DEFICIENCY; Carbamoyl phosphate synthetase I deficiency disease; Carbamoyl phosphate synthetase 1 deficiency; Hyperammonemia due to carbamoyl phosphate synthetase 1 deficiency; CPS 1 deficiency. Identifiers: Orphanet 147, MedGen C4082171, MONDO:0009376, OMIM 237300.

Submissions (2):

Labcorp Genetics (formerly Invitae), Labcorp
Classification: Likely pathogenic for Congenital hyperammonemia, type I. Last evaluated: 2023-12-23. Review status: criteria provided, single submitter. Criteria: Invitae Variant Classification Sherloc (09022015). Collection method: clinical testing. Allele origin: germline.
Comment: This sequence change affects a donor splice site in intron 20 of the CPS1 gene. It is expected to disrupt RNA splicing. Variants that disrupt the donor or acceptor splice site typically lead to a loss of protein function (PMID: 16199547), and loss-of-function variants in CPS1 are known to be pathogenic (PMID: 21120950). This variant is not present in population databases (gnomAD no frequency). This variant has not been reported in the literature in individuals affected with CPS1-related conditions. Algorithms developed to predict the effect of sequence changes on RNA splicing suggest that this variant may disrupt the consensus splice site. In summary, the currently available evidence indicates that the variant is pathogenic, but additional data are needed to prove that conclusively. Therefore, this variant has been classified as Likely Pathogenic.

Baylor Genetics
Classification: Likely pathogenic for Pulmonary hypertension, neonatal, susceptibility to. Last evaluated: 2023-10-05. Review status: criteria provided, single submitter. Criteria: ACMG Guidelines, 2015. Collection method: clinical testing. Allele origin: unknown.

Literature cited by the submitters: PubMed 16199547 (cited by Labcorp Genetics (formerly Invitae), Labcorp); PubMed 21120950 (cited by Labcorp Genetics (formerly Invitae), Labcorp).